The following is an entry in ClinVar:

NM_000551.4(VHL):c.286_288delinsACC (p.Gln96Thr)

Gene: VHL (von Hippel-Lindau tumor suppressor; plus strand). Cytogenetic location: 3p25.3.
Variant type: Indel.
Coding change: c.286_288delinsACC on transcript NM_000551.4 (MANE Select); coding-DNA positions 286 to 288, CAG replaced by ACC.
Protein change: p.Gln96Thr; replaces glutamine 96 with threonine.
Molecular consequence: missense variant.
Genome position (GRCh38, 1-based): chr3:10,142,133-10,142,135, CAG replaced by ACC. VCF-style: chr3-10142133-CAG-ACC. GRCh37 (hg19) VCF-style: chr3-10183817-CAG-ACC.
Other names: c.286_288delinsACC, p.Gln96Thr (NM_001354723.2, NM_198156.3); short protein forms Q96T.
Identifiers: ClinVar variation 1426321 (VCV001426321.8), dbSNP rs2125125241, ClinGen allele CA2573136088.

ClinVar aggregate classification (germline): Uncertain significance (1 of 4 stars; one submission).

Conditions:
Von Hippel-Lindau syndrome (VHLS). Also called: von Hippel–Lindau syndrome; VHL syndrome; Von Hippel-Lindau. Identifiers: Orphanet 892, MedGen C0019562, MONDO:0008667, OMIM 193300. Disease mechanism: loss of function.
Chuvash polycythemia. Also called: POLYCYTHEMIA, VHL-DEPENDENT. Identifiers: Orphanet 238557, MedGen C1837915, MONDO:0009892, OMIM 263400.

Submission:

Labcorp Genetics (formerly Invitae), Labcorp
Classification: Uncertain significance for Von Hippel-Lindau syndrome; Chuvash polycythemia. Last evaluated: 2022-07-27. Review status: criteria provided, single submitter. Criteria: Invitae Variant Classification Sherloc (09022015). Collection method: clinical testing. Allele origin: germline.
Comment: This sequence change replaces glutamine, which is neutral and polar, with threonine, which is neutral and polar, at codon 96 of the VHL protein (p.Gln96Thr). Information on the frequency of this variant in the gnomAD database is not available, as this variant may be reported differently in the database. This variant has not been reported in the literature in individuals affected with VHL-related conditions. ClinVar contains an entry for this variant (Variation ID: 1426321). Algorithms developed to predict the effect of missense changes on protein structure and function are either unavailable or do not agree on the potential impact of this missense change (SIFT: "Not Available"; PolyPhen-2: "Benign"; Align-GVGD: "Not Available"). In summary, the available evidence is currently insufficient to determine the role of this variant in disease. Therefore, it has been classified as a Variant of Uncertain Significance.